The following is an entry in ClinVar:

NM_005591.4(MRE11):c.2086C>T (p.Pro696Ser)

Gene: MRE11 (MRE11 double strand break repair nuclease; minus strand). Cytogenetic location: 11q21.
Variant type: single nucleotide variant.
Coding change: c.2086C>T on transcript NM_005591.4 (MANE Select); coding-DNA position 2086, C replaced by T.
Protein change: p.Pro696Ser; replaces proline 696 with serine.
Molecular consequence: missense variant.
Genome position (GRCh38, 1-based): chr11:94,420,166, G>A on the plus strand (C>T on the coding strand, the complement: MRE11 is on the minus strand). VCF-style: chr11-94420166-G-A. GRCh37 (hg19) VCF-style: chr11-94153332-G-A.
Other names: c.2083C>T, p.Pro695Ser (NM_001330347.2); c.2002C>T, p.Pro668Ser (NM_005590.4); short protein forms P696S, P695S, P668S.
Identifiers: ClinVar variation 231768 (VCV000231768.15), dbSNP rs876659349, ClinGen allele CA6234895.

ClinVar aggregate classification (germline): Uncertain significance. Review status: criteria provided, multiple submitters, no conflicts (2 of 4 stars). 2 submissions from 2 submitters: Uncertain significance (2). Last evaluated 2024-08-09.

Conditions:
Hereditary cancer-predisposing syndrome. Also called: Neoplastic Syndromes, Hereditary; Tumor predisposition; Hereditary Cancer Syndrome; Hereditary neoplastic syndrome. Identifiers: Orphanet 140162, MedGen C0027672, MeSH D009386, MONDO:0015356.
Ataxia-telangiectasia-like disorder (ATLD). Identifiers: MedGen C1858391, MONDO:0011457.

Allele frequency attached by ClinVar (database versions not stated): gnomAD exomes below 0.00001; TOPMed below 0.00001; ExAC 0.00001; gnomAD 0.00001.
gnomAD v4.1: 3 of 1,582,100 alleles (0.00019%); highest among the groups gnomAD compares: Non-Finnish European, 0.00017%; no homozygotes.

Submissions (2):

Labcorp Genetics (formerly Invitae), Labcorp
Classification: Uncertain significance for Ataxia-telangiectasia-like disorder. Last evaluated: 2024-08-09. Review status: criteria provided, single submitter. Criteria: Invitae Variant Classification Sherloc (09022015). Collection method: clinical testing. Allele origin: germline.
Comment: This sequence change replaces proline, which is neutral and non-polar, with serine, which is neutral and polar, at codon 696 of the MRE11 protein (p.Pro696Ser). This variant is present in population databases (no rsID available, gnomAD 0.01%). This variant has not been reported in the literature in individuals affected with MRE11-related conditions. ClinVar contains an entry for this variant (Variation ID: 231768). An algorithm developed to predict the effect of missense changes on protein structure and function (PolyPhen-2) suggests that this variant is likely to be disruptive. In summary, the available evidence is currently insufficient to determine the role of this variant in disease. Therefore, it has been classified as a Variant of Uncertain Significance.

Ambry Genetics
Classification: Uncertain significance for Hereditary cancer-predisposing syndrome. Last evaluated: 2023-02-02. Review status: criteria provided, single submitter. Criteria: Ambry Variant Classification Scheme 2023. Collection method: clinical testing. Allele origin: germline.
Comment: The p.P696S variant (also known as c.2086C>T), located in coding exon 19 of the MRE11A gene, results from a C to T substitution at nucleotide position 2086. The proline at codon 696 is replaced by serine, an amino acid with similar properties. This amino acid position is highly conserved in available vertebrate species. In addition, the in silico prediction for this alteration is inconclusive. Since supporting evidence is limited at this time, the clinical significance of this alteration remains unclear.